The following is an entry in ClinVar:

ClinVar aggregate classification (germline): Uncertain significance. Review status: criteria provided, multiple submitters, no conflicts (2 of 4 stars). 2 submissions from 2 submitters: Uncertain significance (2). Last evaluated 2025-08-26.

Conditions:
Primary ciliary dyskinesia. Also called: Ciliary dyskinesia. Identifiers: Orphanet 244, MedGen C0008780, MONDO:0016575, HP:0012265.

Allele frequency attached by ClinVar (database versions not stated): ExAC 0.00003; ESP Exome Variant Server 0.00008.
gnomAD v4.1: 48 of 1,602,656 alleles (0.003%); highest among the groups gnomAD compares: Non-Finnish European, 0.0039%; no homozygotes.

Submissions (2):

Ambry Genetics
Classification: Uncertain significance. Last evaluated: 2025-08-26. Review status: criteria provided, single submitter. Criteria: Ambry Variant Classification Scheme 2023. Collection method: clinical testing. Allele origin: germline.

Labcorp Genetics (formerly Invitae), Labcorp
Classification: Uncertain significance for Primary ciliary dyskinesia. Last evaluated: 2024-07-26. Review status: criteria provided, single submitter. Criteria: Invitae Variant Classification Sherloc (09022015). Collection method: clinical testing. Allele origin: germline.
Comment: This sequence change replaces threonine, which is neutral and polar, with methionine, which is neutral and non-polar, at codon 2165 of the DNAH8 protein (p.Thr2165Met). This variant is present in population databases (rs199517916, gnomAD 0.006%). This variant has not been reported in the literature in individuals affected with DNAH8-related conditions. ClinVar contains an entry for this variant (Variation ID: 2533038). Advanced modeling of protein sequence and biophysical properties (such as structural, functional, and spatial information, amino acid conservation, physicochemical variation, residue mobility, and thermodynamic stability) performed at Invitae indicates that this missense variant is expected to disrupt DNAH8 protein function with a positive predictive value of 80%. In summary, the available evidence is currently insufficient to determine the role of this variant in disease. Therefore, it has been classified as a Variant of Uncertain Significance.

NM_001206927.2(DNAH8):c.6494C>T (p.Thr2165Met)

Gene: DNAH8 (dynein axonemal heavy chain 8; plus strand). Cytogenetic location: 6p21.2.
Variant type: single nucleotide variant.
Coding change: c.6494C>T on transcript NM_001206927.2 (MANE Select); coding-DNA position 6494, C replaced by T.
Protein change: p.Thr2165Met; replaces threonine 2165 with methionine.
Molecular consequence: missense variant.
Genome position (GRCh38, 1-based): chr6:38,864,056, C>T. VCF-style: chr6-38864056-C-T. GRCh37 (hg19) VCF-style: chr6-38831832-C-T.
Other names: c.5843C>T, p.Thr1948Met (NM_001371.4); short protein forms T1948M, T2165M.
Identifiers: ClinVar variation 2533038 (VCV002533038.4), dbSNP rs199517916, ClinGen allele CA3789671.
Genomic context (GRCh38, chr6:38,864,056, plus strand): 5'-AGTTCATTTTTTCTGATGGTGATTGTGTTGATTTAAATCCAGAATTTGGAATCTTCTTAA[C>T]GATGGTGAGAAAAAAGGCTTTAAATGCAATTTAATTAGTTTAATTGTTACAGACATAAAT-3'
Protein context (NP_001193856.1, residues 2155-2175): DLNPEFGIFL[Thr2165Met]MNPGYAGRQE